The following is an entry in ClinVar:

ClinVar aggregate classification (germline): Uncertain significance (1 of 4 stars; one submission).

Conditions:
Hereditary sensory and autonomic neuropathy type 7. Also called: HSAN VII; Neuropathy, hereditary sensory and autonomic, type VII. Identifiers: Orphanet 391397, MedGen C3809882, MONDO:0014244, OMIM 615548.
Familial episodic pain syndrome with predominantly lower limb involvement. Also called: Episodic pain syndrome, familial, 3. Identifiers: Orphanet 391384, Orphanet 391392, MedGen C3809899, MONDO:0014247, OMIM 615552.

gnomAD v4.1: 1 of 1,614,214 alleles (0.000062%); highest among the groups gnomAD compares: Non-Finnish European, 0.000085%; no homozygotes.

Submission:

Labcorp Genetics (formerly Invitae), Labcorp
Classification: Uncertain significance for Familial episodic pain syndrome with predominantly lower limb involvement; Hereditary sensory and autonomic neuropathy type 7. Last evaluated: 2024-08-01. Review status: criteria provided, single submitter. Criteria: Invitae Variant Classification Sherloc (09022015). Collection method: clinical testing. Allele origin: germline.
Comment: This sequence change replaces serine, which is neutral and polar, with phenylalanine, which is neutral and non-polar, at codon 1582 of the SCN11A protein (p.Ser1582Phe). This variant is not present in population databases (gnomAD no frequency). This variant has not been reported in the literature in individuals affected with SCN11A-related conditions. Advanced modeling of protein sequence and biophysical properties (such as structural, functional, and spatial information, amino acid conservation, physicochemical variation, residue mobility, and thermodynamic stability) performed at Invitae indicates that this missense variant is not expected to disrupt SCN11A protein function with a negative predictive value of 80%. In summary, the available evidence is currently insufficient to determine the role of this variant in disease. Therefore, it has been classified as a Variant of Uncertain Significance.

NM_001349253.2(SCN11A):c.4745C>T (p.Ser1582Phe)

Gene: SCN11A (sodium voltage-gated channel alpha subunit 11; minus strand). Cytogenetic location: 3p22.2.
Variant type: single nucleotide variant.
Coding change: c.4745C>T on transcript NM_001349253.2 (MANE Select); coding-DNA position 4745, C replaced by T.
Protein change: p.Ser1582Phe; replaces serine 1582 with phenylalanine.
Molecular consequence: missense variant.
Genome position (GRCh38, 1-based): chr3:38,847,325, G>A on the plus strand (C>T on the coding strand, the complement: SCN11A is on the minus strand). VCF-style: chr3-38847325-G-A. GRCh37 (hg19) VCF-style: chr3-38888816-G-A.
Other names: c.4745C>T, p.Ser1582Phe (NM_014139.3); short protein forms S1582F.
Identifiers: ClinVar variation 3749896 (VCV003749896.2), dbSNP rs150988853.